The following is an entry in ClinVar:

NM_006231.4(POLE):c.2598C>T (p.Cys866=)

Gene: POLE (DNA polymerase epsilon, catalytic subunit; minus strand). Cytogenetic location: 12q24.33.
Variant type: single nucleotide variant.
Coding change: c.2598C>T on transcript NM_006231.4 (MANE Select); coding-DNA position 2598, C replaced by T.
Protein change: p.Cys866=; no amino-acid change (cysteine 866 retained).
Molecular consequence: synonymous variant.
Genome position (GRCh38, 1-based): chr12:132,664,112, G>A on the plus strand (C>T on the coding strand, the complement: POLE is on the minus strand). VCF-style: chr12-132664112-G-A. GRCh37 (hg19) VCF-style: chr12-133240698-G-A.
Identifiers: ClinVar variation 413597 (VCV000413597.23), dbSNP rs765653117, ClinGen allele CA6893491.

ClinVar aggregate classification (germline): Conflicting classifications of pathogenicity. Review status: criteria provided, conflicting classifications (1 of 4 stars). 4 submissions from 4 submitters: Uncertain significance (1); Likely benign (2). 1 of the submissions does not count toward it. Last evaluated 2026-01-23.

Conditions:
POLE-related disorder. Also called: POLE-related condition; POLE-related disorders.
Hereditary cancer-predisposing syndrome. Also called: Neoplastic Syndromes, Hereditary; Tumor predisposition; Hereditary Cancer Syndrome; Hereditary neoplastic syndrome. Identifiers: Orphanet 140162, MedGen C0027672, MeSH D009386, MONDO:0015356.

Allele frequency attached by ClinVar (database versions not stated): gnomAD exomes 0.00001 and 0.00003; ExAC 0.00002; gnomAD 0.00003; TOPMed 0.00003.
gnomAD v4.1: 23 of 1,614,032 alleles (0.0014%); highest among the groups gnomAD compares: Middle Eastern, 0.016%; no homozygotes.

Submissions (4):

Labcorp Genetics (formerly Invitae), Labcorp
Classification: Likely benign. Last evaluated: 2026-01-23. Review status: criteria provided, single submitter. Criteria: Invitae Variant Classification Sherloc (09022015). Collection method: clinical testing. Allele origin: germline.

GeneDx
Classification: Uncertain significance. Last evaluated: 2024-10-07. Review status: criteria provided, single submitter. Criteria: GeneDx Variant Classification Process June 2021. Collection method: clinical testing. Allele origin: germline. Affected: yes.
Comment: In silico analysis suggests this variant may impact gene splicing. In the absence of RNA/functional studies, the actual effect of this sequence change is unknown.; Not observed at significant frequency in large population cohorts (gnomAD); Has not been previously published as pathogenic or benign to our knowledge

Ambry Genetics
Classification: Likely benign for Hereditary cancer-predisposing syndrome. Last evaluated: 2016-01-26. Review status: criteria provided, single submitter. Criteria: Ambry Variant Classification Scheme 2023. Collection method: clinical testing. Allele origin: germline.

PreventionGenetics, part of Exact Sciences
Classification: Likely benign for POLE-related condition. Last evaluated: 2023-07-17. Review status: no assertion criteria provided. Collection method: clinical testing. Allele origin: germline. Not counted in ClinVar's aggregate classification.
Comment: This variant is classified as likely benign based on ACMG/AMP sequence variant interpretation guidelines (Richards et al. 2015 PMID: 25741868, with internal and published modifications).